The following is an entry in ClinVar:

ClinVar aggregate classification (germline): Uncertain significance (0 of 4 stars; one submission).

Allele frequency attached by ClinVar (database versions not stated): gnomAD exomes 0.00001.
gnomAD v4.1: 9 of 1,569,096 alleles (0.00057%); highest among the groups gnomAD compares: Non-Finnish European, 0.00077%; no homozygotes.

Submission:

Genetic Services Laboratory, University of Chicago
Classification: Uncertain significance. Last evaluated: 2022-12-04. Review status: no assertion criteria provided. Collection method: clinical testing. Allele origin: germline. Affected: no.
Comment: DNA sequence analysis of the STUB1 gene demonstrated a sequence change, c.786G>C, in exon 6 that results in an amino acid change, p.Gln262His. This sequence change does not appear to have been previously described in individuals with STUB1-related disorders and has also not been described in population databases such as ExAC and gnomAD. The p.Gln262His change affects a highly conserved amino acid residue located in a domain of the STUB1 protein that is known to be functional. The p.Gln262His substitution appears to be benign/possibly benign using several in-silico pathogenicity prediction tools (SIFT, PolyPhen2, Align GVGD, REVEL). This sequence change occurs in the last base pair of exon 6 and in-silico splice prediction programs indicate a possible effect on splicing. Due to insufficient evidences and the lack of functional studies, the clinical significance of the p.Gln262His change remains unknown at this time.

NM_005861.4(STUB1):c.786G>C (p.Gln262His)

Genes: JMJD8 (jumonji domain containing 8; minus strand), STUB1 (STIP1 homology and U-box containing protein 1; plus strand). Cytogenetic location: 16p13.3.
Variant type: single nucleotide variant.
Coding change: c.786G>C on transcript NM_005861.4 (MANE Select); coding-DNA position 786, G replaced by C.
Protein change: p.Gln262His; replaces glutamine 262 with histidine.
Molecular consequence: missense variant. On other transcripts: 3 prime UTR variant (5), non-coding transcript variant (3).
Genome position (GRCh38, 1-based): chr16:682,281, G>C. VCF-style: chr16-682281-G-C. GRCh37 (hg19) VCF-style: chr16-732281-G-C.
Other names: c.570G>C, p.Gln190His (NM_001293197.2); c.*513C>G (NM_001005920.4, NM_001323919.3, NM_001323920.3); c.*547C>G (NM_001323918.3, NM_001323922.3); short protein forms Q190H, Q262H.
Identifiers: ClinVar variation 2443273 (VCV002443273.2), dbSNP rs2543815923, ClinGen allele CA394114366.